The following is an entry in ClinVar:

NM_052989.3(IFT122):c.2017C>T (p.Arg673Ter)

Gene: IFT122 (intraflagellar transport 122; plus strand). Cytogenetic location: 3q21.3.
Variant type: single nucleotide variant.
Coding change: c.2017C>T on transcript NM_052989.3 (MANE Select); coding-DNA position 2017, C replaced by T.
Protein change: p.Arg673Ter; replaces arginine 673 with a stop codon.
Molecular consequence: nonsense.
Genome position (GRCh38, 1-based): chr3:129,492,165, C>T. VCF-style: chr3-129492165-C-T. GRCh37 (hg19) VCF-style: chr3-129211008-C-T.
Other names: c.1993C>T, p.Arg665Ter (NM_001280541.2); c.1567C>T, p.Arg523Ter (NM_001280545.2); c.1390C>T, p.Arg464Ter (NM_001280546.2); c.1840C>T, p.Arg614Ter (NM_018262.4); c.2170C>T, p.Arg724Ter (NM_052985.4); c.1684C>T, p.Arg562Ter (NM_052990.3); short protein forms R724*, R665*, R464*, R523*, R673*, R562*, R614*.
Identifiers: ClinVar variation 620533 (VCV000620533.5), dbSNP rs1185183557, ClinGen allele CA354479351.

ClinVar aggregate classification (germline): Pathogenic/Likely pathogenic. Review status: criteria provided, multiple submitters, no conflicts (2 of 4 stars). 4 submissions from 4 submitters: Pathogenic (1); Likely pathogenic (3). Last evaluated 2025-02-04.

Conditions:
Cranioectodermal dysplasia 1 (CED1). Also called: LEVIN SYNDROME I. Identifiers: Orphanet 1515, MedGen C0432235, MONDO:0021093, OMIM 218330.

Allele frequency attached by ClinVar (database versions not stated): gnomAD 0.00001; gnomAD exomes 0.00001; TOPMed 0.00001.

Submissions (4):

Labcorp Genetics (formerly Invitae), Labcorp
Classification: Pathogenic for Cranioectodermal dysplasia 1. Last evaluated: 2025-02-04. Review status: criteria provided, single submitter. Criteria: Invitae Variant Classification Sherloc (09022015). Collection method: clinical testing. Allele origin: germline.
Comment: This sequence change creates a premature translational stop signal (p.Arg724*) in the IFT122 gene. It is expected to result in an absent or disrupted protein product. Loss-of-function variants in IFT122 are known to be pathogenic (PMID: 20493458, 23826986, 26792575). This variant is present in population databases (no rsID available, gnomAD 0.003%). This variant has not been reported in the literature in individuals affected with IFT122-related conditions. ClinVar contains an entry for this variant (Variation ID: 620533). Algorithms developed to predict the effect of sequence changes on RNA splicing suggest that this variant may disrupt the consensus splice site. For these reasons, this variant has been classified as Pathogenic.

Fulgent Genetics
Classification: Likely pathogenic for Cranioectodermal dysplasia 1. Last evaluated: 2021-11-06. Review status: criteria provided, single submitter. Criteria: ACMG Guidelines, 2015. Collection method: clinical testing. Allele origin: unknown.

GeneDx
Classification: Likely pathogenic. Last evaluated: 2019-01-23. Review status: criteria provided, single submitter. Criteria: GeneDx Variant Classification (06012015). Collection method: clinical testing. Allele origin: germline. Affected: yes.
Comment: The R724X variant in the IFT122 gene has not been reported previously as a pathogenic variant nor as a benign variant, to our knowledge. This variant is predicted to cause loss of normal protein function either through protein truncation or nonsense-mediated mRNA decay. The R724X variant is not observed at a significant frequency in large population cohorts (Lek et al., 2016). We interpret R724X as a likely pathogenic variant.

Juno Genomics, Hangzhou Juno Genomics, Inc
Classification: Likely pathogenic for Cranioectodermal dysplasia 1. Review status: criteria provided, single submitter. Criteria: ACMG Guidelines, 2015. Collection method: clinical testing. Allele origin: germline.
Comment: Null variant in a gene where loss of function (LOF) is a known mechanism of disease.;Absent from controls (or at extremely low frequency if recessive) in Genome Aggregation Database.

Literature cited by the submitters: PubMed 20493458 (cited by Labcorp Genetics (formerly Invitae), Labcorp); PubMed 23826986 (cited by Labcorp Genetics (formerly Invitae), Labcorp); PubMed 26792575 (cited by Labcorp Genetics (formerly Invitae), Labcorp).